The following is an entry in ClinVar:

NM_006739.4(MCM5):c.1627G>A (p.Ala543Thr)

Gene: MCM5 (minichromosome maintenance complex component 5; plus strand). Cytogenetic location: 22q12.3.
Variant type: single nucleotide variant.
Coding change: c.1627G>A on transcript NM_006739.4 (MANE Select); coding-DNA position 1627, G replaced by A.
Protein change: p.Ala543Thr; replaces alanine 543 with threonine.
Molecular consequence: missense variant.
Genome position (GRCh38, 1-based): chr22:35,417,780, G>A. VCF-style: chr22-35417780-G-A. GRCh37 (hg19) VCF-style: chr22-35813773-G-A.
Other names: c.1627G>A (NM_006739.3); short protein forms A543T.
Identifiers: ClinVar variation 1350216 (VCV001350216.7), dbSNP rs149623832, ClinGen allele CA10205445.

ClinVar aggregate classification (germline): Uncertain significance. Review status: criteria provided, multiple submitters, no conflicts (2 of 4 stars). 2 submissions from 2 submitters: Uncertain significance (2). Last evaluated 2025-10-03.

Allele frequency attached by ClinVar (database versions not stated): ESP Exome Variant Server 0.00008; ExAC 0.00017; 1000 Genomes Project 0.00040; 1000 Genomes Project 30x 0.00047.
gnomAD v4.1: 129 of 1,614,114 alleles (0.008%); highest among the groups gnomAD compares: South Asian, 0.068%; no homozygotes.

Submissions (2):

Labcorp Genetics (formerly Invitae), Labcorp
Classification: Uncertain significance. Last evaluated: 2025-10-03. Review status: criteria provided, single submitter. Criteria: Invitae Variant Classification Sherloc (09022015). Collection method: clinical testing. Allele origin: germline.
Comment: This sequence change replaces alanine, which is neutral and non-polar, with threonine, which is neutral and polar, at codon 543 of the MCM5 protein (p.Ala543Thr). This variant is present in population databases (rs149623832, gnomAD 0.07%), and has an allele count higher than expected for a pathogenic variant. This variant has not been reported in the literature in individuals affected with MCM5-related conditions. ClinVar contains an entry for this variant (Variation ID: 1350216). Invitae Evidence Modeling of protein sequence and biophysical properties (such as structural, functional, and spatial information, amino acid conservation, physicochemical variation, residue mobility, and thermodynamic stability) indicates that this missense variant is not expected to disrupt MCM5 protein function with a negative predictive value of 80%. In summary, the available evidence is currently insufficient to determine the role of this variant in disease. Therefore, it has been classified as a Variant of Uncertain Significance.

Ambry Genetics
Classification: Uncertain significance. Last evaluated: 2025-01-21. Review status: criteria provided, single submitter. Criteria: Ambry Variant Classification Scheme 2023. Collection method: clinical testing. Allele origin: germline.